The following is an entry in ClinVar:

ClinVar aggregate classification (germline): Uncertain significance (1 of 4 stars; one submission).

Allele frequency attached by ClinVar (database versions not stated): TOPMed 0.00002.

Submission:

Labcorp Genetics (formerly Invitae), Labcorp
Classification: Uncertain significance. Last evaluated: 2023-12-07. Review status: criteria provided, single submitter. Criteria: Invitae Variant Classification Sherloc (09022015). Collection method: clinical testing. Allele origin: germline.
Comment: This sequence change replaces alanine, which is neutral and non-polar, with serine, which is neutral and polar, at codon 407 of the C7 protein (p.Ala407Ser). This variant is not present in population databases (gnomAD no frequency). This variant has not been reported in the literature in individuals affected with C7-related conditions. ClinVar contains an entry for this variant (Variation ID: 1357259). Advanced modeling of protein sequence and biophysical properties (such as structural, functional, and spatial information, amino acid conservation, physicochemical variation, residue mobility, and thermodynamic stability) has been performed at Invitae for this missense variant, however the output from this modeling did not meet the statistical confidence thresholds required to predict the impact of this variant on C7 protein function. In summary, the available evidence is currently insufficient to determine the role of this variant in disease. Therefore, it has been classified as a Variant of Uncertain Significance.

NM_000587.4(C7):c.1219G>T (p.Ala407Ser)

Gene: C7 (complement C7; plus strand). Cytogenetic location: 5p13.1.
Variant type: single nucleotide variant.
Coding change: c.1219G>T on transcript NM_000587.4 (MANE Select); coding-DNA position 1219, G replaced by T.
Protein change: p.Ala407Ser; replaces alanine 407 with serine.
Molecular consequence: missense variant.
Genome position (GRCh38, 1-based): chr5:40,955,512, G>T. VCF-style: chr5-40955512-G-T. GRCh37 (hg19) VCF-style: chr5-40955614-G-T.
Other names: short protein forms A407S.
Identifiers: ClinVar variation 1357259 (VCV001357259.6), dbSNP rs1013282108, ClinGen allele CA117219458.